The following is an entry in ClinVar:

NM_020937.4(FANCM):c.1747G>A (p.Gly583Ser)

Gene: FANCM (FA complementation group M; plus strand). Cytogenetic location: 14q21.2.
Variant type: single nucleotide variant.
Coding change: c.1747G>A on transcript NM_020937.4 (MANE Select); coding-DNA position 1747, G replaced by A.
Protein change: p.Gly583Ser; replaces glycine 583 with serine.
Molecular consequence: missense variant.
Genome position (GRCh38, 1-based): chr14:45,164,524, G>A. VCF-style: chr14-45164524-G-A. GRCh37 (hg19) VCF-style: chr14-45633727-G-A.
Other names: c.1669G>A, p.Gly557Ser (NM_001308133.2); c.1747G>A, p.Gly583Ser (NM_001308134.2); short protein forms G583S, G557S.
Identifiers: ClinVar variation 1899625 (VCV001899625.5), dbSNP rs2139205350, ClinGen allele CA389594117.

ClinVar aggregate classification (germline): Uncertain significance (1 of 4 stars; one submission).

Conditions:
Fanconi anemia (FA). Also called: Fanconi's anemia. Identifiers: Orphanet 84, MedGen C0015625, MeSH D005199, MONDO:0019391.

Allele frequency attached by ClinVar (database versions not stated): gnomAD exomes below 0.00001.
gnomAD v4.1: 2 of 1,613,540 alleles (0.00012%); highest among the groups gnomAD compares: East Asian, 0.0045%; no homozygotes.

Submission:

Labcorp Genetics (formerly Invitae), Labcorp
Classification: Uncertain significance for Fanconi anemia. Last evaluated: 2025-07-21. Review status: criteria provided, single submitter. Criteria: Invitae Variant Classification Sherloc (09022015). Collection method: clinical testing. Allele origin: germline.
Comment: This sequence change replaces glycine, which is neutral and non-polar, with serine, which is neutral and polar, at codon 583 of the FANCM protein (p.Gly583Ser). This variant is not present in population databases (gnomAD no frequency). This variant has not been reported in the literature in individuals affected with FANCM-related conditions. ClinVar contains an entry for this variant (Variation ID: 1899625). An algorithm developed to predict the effect of missense changes on protein structure and function (PolyPhen-2) suggests that this variant is likely to be disruptive. In summary, the available evidence is currently insufficient to determine the role of this variant in disease. Therefore, it has been classified as a Variant of Uncertain Significance.